The following is an entry in ClinVar:

ClinVar aggregate classification (germline): not provided (0 of 4 stars; one submission).

Allele frequency attached by ClinVar (database versions not stated): gnomAD exomes 0.00021 and 0.00040; gnomAD 0.00033 and 0.00034; 1000 Genomes Project 0.00040; TOPMed 0.00040; 1000 Genomes Project 30x 0.00047; ExAC 0.00060.
gnomAD v4.1: 337 of 1,469,978 alleles (0.023%); highest among the groups gnomAD compares: Admixed American, 0.12%; no homozygotes.

Submission:

ITMI
No classification provided. Condition: AllHighlyPenetrant. Last evaluated: 2013-09-19. Review status: no classification provided. Collection method: reference population. Allele origin: germline.
Comment: Please see associated publication for description of ethnicities

Literature cited by the submitters: PubMed 24728327.

NM_017617.5(NOTCH1):c.5167+114C>T

Gene: NOTCH1 (notch receptor 1; minus strand). Cytogenetic location: 9q34.3.
Variant type: single nucleotide variant.
Coding change: c.5167+114C>T on transcript NM_017617.5 (MANE Select); 114 bases into the intron after coding-DNA position 5167, C replaced by T.
Molecular consequence: intron variant.
Genome position (GRCh38, 1-based): chr9:136,503,068, G>A on the plus strand (C>T on the coding strand, the complement: NOTCH1 is on the minus strand). VCF-style: chr9-136503068-G-A. GRCh37 (hg19) VCF-style: chr9-139397520-G-A.
Other names: c.5167+114C>T (LRG_1122t1).
Identifiers: ClinVar variation 133364 (VCV000133364.1), dbSNP rs559253584, ClinGen allele CA156454.